The following is an entry in ClinVar:

ClinVar aggregate classification (germline): Conflicting classifications of pathogenicity. Review status: criteria provided, conflicting classifications (1 of 4 stars). 2 submissions from 2 submitters: Uncertain significance (1); Likely benign (1). Last evaluated 2025-10-29.

Conditions:
Landau-Kleffner syndrome (FESD). Also called: EPILEPSY, FOCAL, WITH SPEECH DISORDER AND WITH OR WITHOUT MENTAL RETARDATION; APHASIA, ACQUIRED, WITH EPILEPSY. Identifiers: Orphanet 1945, Orphanet 725, Orphanet 98818, MedGen C0282512, MONDO:0009509, OMIM 245570.

Allele frequency attached by ClinVar (database versions not stated): gnomAD exomes 0.00001.
gnomAD v4.1: 5 of 1,613,970 alleles (0.00031%); highest among the groups gnomAD compares: East Asian, 0.0045%; no homozygotes.

Submissions (2):

Labcorp Genetics (formerly Invitae), Labcorp
Classification: Likely benign for Landau-Kleffner syndrome. Last evaluated: 2025-10-29. Review status: criteria provided, single submitter. Criteria: Invitae Variant Classification Sherloc (09022015). Collection method: clinical testing. Allele origin: germline.

GeneDx
Classification: Uncertain significance. Last evaluated: 2022-10-12. Review status: criteria provided, single submitter. Criteria: GeneDx Variant Classification Process June 2021. Collection method: clinical testing. Allele origin: germline. Affected: yes.
Comment: In silico analysis supports that this missense variant does not alter protein structure/function; Has not been previously published as pathogenic or benign to our knowledge

NM_001134407.3(GRIN2A):c.916A>G (p.Met306Val)

Gene: GRIN2A (glutamate ionotropic receptor NMDA type subunit 2A; minus strand). Cytogenetic location: 16p13.2.
Variant type: single nucleotide variant.
Coding change: c.916A>G on transcript NM_001134407.3 (MANE Select); coding-DNA position 916, A replaced by G.
Protein change: p.Met306Val; replaces methionine 306 with valine.
Molecular consequence: missense variant.
Genome position (GRCh38, 1-based): chr16:9,938,050, T>C on the plus strand (A>G on the coding strand, the complement: GRIN2A is on the minus strand). VCF-style: chr16-9938050-T-C. GRCh37 (hg19) VCF-style: chr16-10031907-T-C.
Other names: c.916A>G (NM_000833.3); c.916A>G, p.Met306Val (NM_000833.5, NM_001134408.2); short protein forms M306V.
Identifiers: ClinVar variation 2156242 (VCV002156242.5), dbSNP rs778386295, ClinGen allele CA7896878.